The following is an entry in ClinVar:

NM_005559.4(LAMA1):c.6861dup (p.Ile2288fs)

Gene: LAMA1 (laminin subunit alpha 1; minus strand). Cytogenetic location: 18p11.31.
Variant type: Duplication.
Coding change: c.6861dup on transcript NM_005559.4 (MANE Select); coding-DNA position 6861, one base duplicated (T; older notation c.6861dupT).
Protein change: p.Ile2288fs; shifts the reading frame from isoleucine 2288.
Molecular consequence: frameshift variant.
Genome position (GRCh38, 1-based): chr18:6,971,895, A duplicated on the plus strand (T on the coding strand, the reverse complement: LAMA1 is on the minus strand). VCF-style (leftmost placement, unchanged base first): chr18-6971894-T-TA. GRCh37 (hg19) VCF-style: chr18-6971893-T-TA.
Other names: short protein forms I2288fs.
Identifiers: ClinVar variation 1410367 (VCV001410367.6), dbSNP rs2057660103, ClinGen allele CA2282674141.

ClinVar aggregate classification (germline): Pathogenic (1 of 4 stars; one submission).

Allele frequency attached by ClinVar (database versions not stated): gnomAD exomes below 0.00001; TOPMed below 0.00001.

Submission:

Labcorp Genetics (formerly Invitae), Labcorp
Classification: Pathogenic. Last evaluated: 2021-12-03. Review status: criteria provided, single submitter. Criteria: Invitae Variant Classification Sherloc (09022015). Collection method: clinical testing. Allele origin: germline.
Comment: For these reasons, this variant has been classified as Pathogenic. This variant has not been reported in the literature in individuals affected with LAMA1-related conditions. This variant is not present in population databases (gnomAD no frequency). This sequence change creates a premature translational stop signal (p.Ile2288Tyrfs*2) in the LAMA1 gene. It is expected to result in an absent or disrupted protein product. Loss-of-function variants in LAMA1 are known to be pathogenic (PMID: 25105227, 26932191).

Literature cited by the submitters: PubMed 25105227; PubMed 26932191.